The following is an entry in ClinVar:

NM_005120.3(MED12):c.6409-14C>A

Gene: MED12 (mediator complex subunit 12; plus strand). Cytogenetic location: Xq13.1.
Variant type: single nucleotide variant.
Coding change: c.6409-14C>A on transcript NM_005120.3 (MANE Select); 14 bases into the intron before coding-DNA position 6409, C replaced by A.
Molecular consequence: intron variant.
Genome position (GRCh38, 1-based): chrX:71,141,869, C>A. VCF-style: chrX-71141869-C-A. GRCh37 (hg19) VCF-style: chrX-70361719-C-A.
Identifiers: ClinVar variation 384173 (VCV000384173.4), dbSNP rs374791085, ClinGen allele CA10444931.

ClinVar aggregate classification (germline): Likely benign. Review status: criteria provided, multiple submitters, no conflicts (2 of 4 stars). 2 submissions from 2 submitters: Likely benign (2). Last evaluated 2024-05-09.

Conditions:
FG syndrome (FGS). Identifiers: MedGen C0220769, MONDO:0002010.

Allele frequency attached by ClinVar (database versions not stated): gnomAD exomes 0.00001; ExAC 0.00003; gnomAD 0.00006 and 0.00007; TOPMed 0.00006; ESP Exome Variant Server 0.00010.

Submissions (2):

Labcorp Genetics (formerly Invitae), Labcorp
Classification: Likely benign for FG syndrome. Last evaluated: 2024-05-09. Review status: criteria provided, single submitter. Criteria: Invitae Variant Classification Sherloc (09022015). Collection method: clinical testing. Allele origin: germline.

GeneDx
Classification: Likely benign. Last evaluated: 2016-02-29. Review status: criteria provided, single submitter. Criteria: GeneDx Variant Classification (06012015). Collection method: clinical testing. Allele origin: germline. Affected: yes.
Comment: This variant is considered likely benign or benign based on one or more of the following criteria: it is a conservative change, it occurs at a poorly conserved position in the protein, it is predicted to be benign by multiple in silico algorithms, and/or has population frequency not consistent with disease.